The following is an entry in ClinVar:

NM_014159.7(SETD2):c.6248C>T (p.Pro2083Leu)

Gene: SETD2 (SET domain containing 2, histone lysine methyltransferase; minus strand). Cytogenetic location: 3p21.31.
Variant type: single nucleotide variant.
Coding change: c.6248C>T on transcript NM_014159.7 (MANE Select); coding-DNA position 6248, C replaced by T.
Protein change: p.Pro2083Leu; replaces proline 2083 with leucine.
Molecular consequence: missense variant. On other transcripts: non-coding transcript variant (1).
Genome position (GRCh38, 1-based): chr3:47,062,208, G>A on the plus strand (C>T on the coding strand, the complement: SETD2 is on the minus strand). VCF-style: chr3-47062208-G-A. GRCh37 (hg19) VCF-style: chr3-47103698-G-A.
Other names: c.6116C>T, p.Pro2039Leu (NM_001349370.3); short protein forms P2039L, P2083L.
Identifiers: ClinVar variation 3360782 (VCV003360782.1).

ClinVar aggregate classification (germline): Uncertain significance (1 of 4 stars; one submission).

Submission:

GeneDx
Classification: Uncertain significance. Last evaluated: 2023-07-03. Review status: criteria provided, single submitter. Criteria: GeneDx Variant Classification Process June 2021. Collection method: clinical testing. Allele origin: germline. Affected: yes.
Comment: Not observed at significant frequency in large population cohorts (gnomAD); In silico analysis supports that this missense variant has a deleterious effect on protein structure/function; Has not been previously published as pathogenic or benign to our knowledge